The following is an entry in ClinVar:

NM_021728.4(OTX2):c.620T>C (p.Met207Thr)

Gene: OTX2 (orthodenticle homeobox 2; minus strand). Cytogenetic location: 14q22.3.
Variant type: single nucleotide variant.
Coding change: c.620T>C on transcript NM_021728.4 (MANE Select); coding-DNA position 620, T replaced by C.
Protein change: p.Met207Thr; replaces methionine 207 with threonine.
Molecular consequence: missense variant. On other transcripts: non-coding transcript variant (2).
Genome position (GRCh38, 1-based): chr14:56,802,009, A>G on the plus strand (T>C on the coding strand, the complement: OTX2 is on the minus strand). VCF-style: chr14-56802009-A-G. GRCh37 (hg19) VCF-style: chr14-57268727-A-G.
Other names: c.596T>C, p.Met199Thr (NM_001270523.2, NM_001270524.2, NM_172337.3); c.620T>C, p.Met207Thr (NM_001270525.2); short protein forms M199T, M207T.
Identifiers: ClinVar variation 3367547 (VCV003367547.2).

ClinVar aggregate classification (germline): Uncertain significance (1 of 4 stars; one submission).

Submission:

GeneDx
Classification: Uncertain significance. Last evaluated: 2026-06-27. Review status: criteria provided, single submitter. Criteria: GeneDx Variant Classification Process June 2021. Collection method: clinical testing. Allele origin: germline.
Comment: Not observed at significant frequency in large population cohorts (gnomAD); In silico analysis supports that this missense variant has a deleterious effect on protein structure/function; Has not been previously published as pathogenic or benign to our knowledge